The following is an entry in ClinVar:

NM_002335.4(LRP5):c.4489-12G>A

Gene: LRP5 (LDL receptor related protein 5; plus strand). Cytogenetic location: 11q13.2.
Variant type: single nucleotide variant.
Coding change: c.4489-12G>A on transcript NM_002335.4 (MANE Select); 12 bases into the intron before coding-DNA position 4489, G replaced by A.
Molecular consequence: intron variant.
Genome position (GRCh38, 1-based): chr11:68,446,424, G>A. VCF-style: chr11-68446424-G-A. GRCh37 (hg19) VCF-style: chr11-68213892-G-A.
Other names: c.2746-12G>A (NM_001291902.2).
Identifiers: ClinVar variation 2040066 (VCV002040066.4), dbSNP rs2496943335, ClinGen allele CA2574901342.

ClinVar aggregate classification (germline): Uncertain significance (1 of 4 stars; one submission).

Submission:

Labcorp Genetics (formerly Invitae), Labcorp
Classification: Uncertain significance. Last evaluated: 2022-07-12. Review status: criteria provided, single submitter. Criteria: Invitae Variant Classification Sherloc (09022015). Collection method: clinical testing. Allele origin: germline.
Comment: This sequence change falls in intron 21 of the LRP5 gene. It does not directly change the encoded amino acid sequence of the LRP5 protein. This variant is not present in population databases (gnomAD no frequency). This variant has not been reported in the literature in individuals affected with LRP5-related conditions. Algorithms developed to predict the effect of sequence changes on RNA splicing suggest that this variant may create or strengthen a splice site. In summary, the available evidence is currently insufficient to determine the role of this variant in disease. Therefore, it has been classified as a Variant of Uncertain Significance.